The following is an entry in ClinVar:

NM_014270.5(SLC7A9):c.704+3G>T

Gene: SLC7A9 (solute carrier family 7 member 9; minus strand). Cytogenetic location: 19q13.11.
Variant type: single nucleotide variant.
Coding change: c.704+3G>T on transcript NM_014270.5 (MANE Select); 3 bases into the intron after coding-DNA position 704, G replaced by T.
Molecular consequence: intron variant.
Genome position (GRCh38, 1-based): chr19:32,862,115, C>A on the plus strand (G>T on the coding strand, the complement: SLC7A9 is on the minus strand). VCF-style: chr19-32862115-C-A. GRCh37 (hg19) VCF-style: chr19-33353021-C-A.
Other names: c.704+3G>T (NM_001126335.2, NM_001243036.2).
Identifiers: ClinVar variation 3798334 (VCV003798334.1).

ClinVar aggregate classification (germline): Uncertain significance (1 of 4 stars; one submission).

Conditions:
Inborn genetic diseases. Identifiers: MedGen C0950123, MeSH D030342.

Submission:

Ambry Genetics
Classification: Uncertain significance for Inborn genetic diseases. Last evaluated: 2024-12-20. Review status: criteria provided, single submitter. Criteria: Ambry Variant Classification Scheme 2023. Collection method: clinical testing. Allele origin: germline.
Comment: The c.704+3G>T intronic alteration results from a G to T substitution 3 nucleotides after exon 6 (coding exon 5) of the SLC7A9 gene. This variant was not reported in population-based cohorts in the Genome Aggregation Database (gnomAD). This nucleotide position is poorly conserved in available vertebrate species. In silico splice site analysis predicts that this alteration will weaken the native splice donor site. Based on insufficient or conflicting evidence, the clinical significance of this alteration remains unclear.